The following is an entry in ClinVar:

ClinVar aggregate classification (germline): Benign/Likely benign. Review status: criteria provided, multiple submitters, no conflicts (2 of 4 stars). 2 submissions from 2 submitters: Benign (1); Likely benign (1). Last evaluated 2024-02-01.

Allele frequency attached by ClinVar (database versions not stated): ESP Exome Variant Server 0.00008; gnomAD exomes 0.00008 and 0.00016; gnomAD 0.00009 and 0.00011; TOPMed 0.00012; ExAC 0.00017.
gnomAD v4.1: 141 of 1,612,834 alleles (0.0087%); highest among the groups gnomAD compares: Admixed American, 0.048%; 1 homozygote.

Submissions (2):

CeGaT Center for Human Genetics Tuebingen
Classification: Likely benign. Last evaluated: 2024-02-01. Review status: criteria provided, single submitter. Criteria: CeGaT Center For Human Genetics Tuebingen Variant Classification Criteria Version 2. Collection method: clinical testing. Allele origin: germline. Affected: yes. Observed: 1 variant allele.
Comment: FLT4: BP4, BP7

Labcorp Genetics (formerly Invitae), Labcorp
Classification: Benign. Last evaluated: 2018-08-06. Review status: criteria provided, single submitter. Criteria: Invitae Variant Classification Sherloc (09022015). Collection method: clinical testing. Allele origin: germline.

NM_182925.5(FLT4):c.618C>T (p.Cys206=)

Gene: FLT4 (fms related receptor tyrosine kinase 4; minus strand). Cytogenetic location: 5q35.3.
Variant type: single nucleotide variant.
Coding change: c.618C>T on transcript NM_182925.5 (MANE Select); coding-DNA position 618, C replaced by T.
Protein change: p.Cys206=; no amino-acid change (cysteine 206 retained).
Molecular consequence: synonymous variant.
Genome position (GRCh38, 1-based): chr5:180,630,001, G>A on the plus strand (C>T on the coding strand, the complement: FLT4 is on the minus strand). VCF-style: chr5-180630001-G-A. GRCh37 (hg19) VCF-style: chr5-180057001-G-A.
Other names: c.618C>T, p.Cys206= (NM_001354989.2, NM_002020.5).
Identifiers: ClinVar variation 765379 (VCV000765379.25), dbSNP rs375132572, ClinGen allele CA3607040.